The following is an entry in ClinVar:

ClinVar aggregate classification (germline): Uncertain significance (1 of 4 stars; one submission).

Conditions:
POLD1-related polyposis and colorectal cancer syndrome (CRCS10). Also called: COLORECTAL CANCER, SUSCEPTIBILITY TO, ON CHROMOSOME 19q; Colorectal cancer 10; Colorectal cancer, susceptibility to, 10. Identifiers: Orphanet 220460, MedGen C2675481, MONDO:0012953, OMIM 612591.

Submission:

Labcorp Genetics (formerly Invitae), Labcorp
Classification: Uncertain significance for POLD1-related polyposis and colorectal cancer syndrome. Last evaluated: 2025-02-07. Review status: criteria provided, single submitter. Criteria: Invitae Variant Classification Sherloc (09022015). Collection method: clinical testing. Allele origin: germline.
Comment: This sequence change replaces valine, which is neutral and non-polar, with methionine, which is neutral and non-polar, at codon 782 of the POLD1 protein (p.Val782Met). This variant is not present in population databases (gnomAD no frequency). This variant has not been reported in the literature in individuals affected with POLD1-related conditions. Invitae Evidence Modeling of protein sequence and biophysical properties (such as structural, functional, and spatial information, amino acid conservation, physicochemical variation, residue mobility, and thermodynamic stability) indicates that this missense variant is expected to disrupt POLD1 protein function with a positive predictive value of 80%. In summary, the available evidence is currently insufficient to determine the role of this variant in disease. Therefore, it has been classified as a Variant of Uncertain Significance.

NM_002691.4(POLD1):c.2344G>A (p.Val782Met)

Gene: POLD1 (DNA polymerase delta 1, catalytic subunit; plus strand). Cytogenetic location: 19q13.33.
Variant type: single nucleotide variant.
Coding change: c.2344G>A on transcript NM_002691.4 (MANE Select); coding-DNA position 2344, G replaced by A.
Protein change: p.Val782Met; replaces valine 782 with methionine.
Molecular consequence: missense variant. On other transcripts: non-coding transcript variant (1).
Genome position (GRCh38, 1-based): chr19:50,413,835, G>A. VCF-style: chr19-50413835-G-A. GRCh37 (hg19) VCF-style: chr19-50917092-G-A.
Other names: c.2344G>A, p.Val782Met (NM_001256849.1, NM_001438212.1, NM_001438213.1); c.2422G>A, p.Val808Met (NM_001308632.1); c.2272G>A, p.Val758Met (NM_001438210.1, NM_001438211.1); short protein forms V758M, V808M, V782M.
Identifiers: ClinVar variation 4703311 (VCV004703311.1).